The following is an entry in ClinVar:

NM_013275.6(ANKRD11):c.5481C>G (p.Pro1827=)

Gene: ANKRD11 (ankyrin repeat domain 11; minus strand). Cytogenetic location: 16q24.3.
Variant type: single nucleotide variant.
Coding change: c.5481C>G on transcript NM_013275.6 (MANE Select); coding-DNA position 5481, C replaced by G.
Protein change: p.Pro1827=; no amino-acid change (proline 1827 retained).
Molecular consequence: synonymous variant.
Genome position (GRCh38, 1-based): chr16:89,281,061, G>C on the plus strand (C>G on the coding strand, the complement: ANKRD11 is on the minus strand). VCF-style: chr16-89281061-G-C. GRCh37 (hg19) VCF-style: chr16-89347469-G-C.
Other names: c.5481C>G, p.Pro1827= (NM_001256182.2, NM_001256183.2).
Identifiers: ClinVar variation 717426 (VCV000717426.18), dbSNP rs142469039, ClinGen allele CA8241828.

ClinVar aggregate classification (germline): Benign/Likely benign. Review status: criteria provided, multiple submitters, no conflicts (2 of 4 stars). 6 submissions from 6 submitters: Benign (3); Likely benign (2). 1 of the submissions does not count toward it. Last evaluated 2026-01-28.

Conditions:
ANKRD11-related disorder. Also called: ANKRD11-related condition.
KBG syndrome (KBGS). Also called: ANKRD11-Related KBG Syndrome. Identifiers: Orphanet 2332, MedGen C0220687, MONDO:0007846, OMIM 148050.

Allele frequency attached by ClinVar (database versions not stated): ESP Exome Variant Server 0.00038; gnomAD 0.00041; TOPMed 0.00065; 1000 Genomes Project 0.00080; 1000 Genomes Project 30x 0.00094.
gnomAD v4.1: 166 of 1,606,778 alleles (0.01%); highest among the groups gnomAD compares: African/African-American, 0.19%; no homozygotes.

Submissions (6):

Labcorp Genetics (formerly Invitae), Labcorp
Classification: Likely benign for KBG syndrome. Last evaluated: 2026-01-28. Review status: criteria provided, single submitter. Criteria: Invitae Variant Classification Sherloc (09022015). Collection method: clinical testing. Allele origin: germline.

Blueprint Genetics
Classification: Likely benign. Last evaluated: 2024-06-27. Review status: criteria provided, single submitter. Criteria: ACMG Guidelines, 2015. Collection method: clinical testing. Allele origin: germline.

Genome-Nilou Lab
Classification: Benign for KBG syndrome. Last evaluated: 2021-12-05. Review status: criteria provided, single submitter. Criteria: ACMG Guidelines, 2015. Collection method: clinical testing. Allele origin: germline. Affected: no.

GeneDx
Classification: Benign. Last evaluated: 2020-04-13. Review status: criteria provided, single submitter. Criteria: GeneDx Variant Classification Process June 2021. Collection method: clinical testing. Allele origin: germline. Affected: yes.

Genetic Services Laboratory, University of Chicago
Classification: Benign. Last evaluated: 2019-06-06. Review status: criteria provided, single submitter. Criteria: ACMG Guidelines, 2015. Collection method: clinical testing. Allele origin: germline. Affected: no.

PreventionGenetics, part of Exact Sciences
Classification: Likely benign for ANKRD11-related condition. Last evaluated: 2019-09-04. Review status: no assertion criteria provided. Collection method: clinical testing. Allele origin: germline. Not counted in ClinVar's aggregate classification.
Comment: This variant is classified as likely benign based on ACMG/AMP sequence variant interpretation guidelines (Richards et al. 2015 PMID: 25741868, with internal and published modifications).